The following is an entry in ClinVar:

NM_024675.4(PALB2):c.1919C>T (p.Ser640Leu)

Gene: PALB2 (partner and localizer of BRCA2; minus strand). Cytogenetic location: 16p12.2.
Variant type: single nucleotide variant.
Coding change: c.1919C>T on transcript NM_024675.4 (MANE Select); coding-DNA position 1919, C replaced by T.
Protein change: p.Ser640Leu; replaces serine 640 with leucine.
Molecular consequence: missense variant.
Genome position (GRCh38, 1-based): chr16:23,630,235, G>A on the plus strand (C>T on the coding strand, the complement: PALB2 is on the minus strand). VCF-style: chr16-23630235-G-A. GRCh37 (hg19) VCF-style: chr16-23641556-G-A.
Other names: short protein forms S640L.
Identifiers: ClinVar variation 801238 (VCV000801238.6), dbSNP rs760094988, ClinGen allele CA395127513.
Genomic context (GRCh38, chr16:23,630,235, plus strand): 5'-CTCAGTTCCTCTGGAAAAATACAGCTTCCCTCTTTAAGATGTCTCTCTCCAAACATTTTT[G>A]ACTCAAAGGGCTCCACTGGTTTTTCTGAGCAGGACTTCACTTTTTCAAGCTTAAGAGGTC-3'
Protein context (NP_078951.2, residues 630-650): CSEKPVEPFE[Ser640Leu]KMFGERHLKE

ClinVar aggregate classification (germline): Conflicting classifications of pathogenicity. Review status: criteria provided, conflicting classifications (1 of 4 stars). 4 submissions from 4 submitters: Uncertain significance (3); Likely benign (1). Last evaluated 2024-05-29.

Conditions:
Familial cancer of breast. Also called: hereditary breast carcinoma; BREAST CANCER, FAMILIAL; Hereditary breast cancer. Identifiers: Orphanet 227535, MedGen C0346153, MONDO:0016419, OMIM 114480. Disease mechanism: loss of function.
Hereditary cancer-predisposing syndrome. Also called: Tumor predisposition; Neoplastic Syndromes, Hereditary; Hereditary Cancer Syndrome; Hereditary neoplastic syndrome. Identifiers: Orphanet 140162, MedGen C0027672, MeSH D009386, MONDO:0015356.

Submissions (4):

Labcorp Genetics (formerly Invitae), Labcorp
Classification: Uncertain significance for Familial cancer of breast. Last evaluated: 2024-05-29. Review status: criteria provided, single submitter. Criteria: Invitae Variant Classification Sherloc (09022015). Collection method: clinical testing. Allele origin: germline.
Comment: This sequence change replaces serine, which is neutral and polar, with leucine, which is neutral and non-polar, at codon 640 of the PALB2 protein (p.Ser640Leu). This variant is not present in population databases (gnomAD no frequency). This variant has not been reported in the literature in individuals affected with PALB2-related conditions. ClinVar contains an entry for this variant (Variation ID: 801238). Algorithms developed to predict the effect of missense changes on protein structure and function output the following: SIFT: "Not Available"; PolyPhen-2: "Benign"; Align-GVGD: "Not Available". The leucine amino acid residue is found in multiple mammalian species, which suggests that this missense change does not adversely affect protein function. In summary, the available evidence is currently insufficient to determine the role of this variant in disease. Therefore, it has been classified as a Variant of Uncertain Significance.

Ambry Genetics
Classification: Likely benign for Hereditary cancer-predisposing syndrome. Last evaluated: 2024-01-25. Review status: criteria provided, single submitter. Criteria: Ambry Variant Classification Scheme 2023. Collection method: clinical testing. Allele origin: germline.

Baylor Genetics
Classification: Uncertain significance for Familial cancer of breast. Last evaluated: 2023-10-24. Review status: criteria provided, single submitter. Criteria: ACMG Guidelines, 2015. Collection method: clinical testing. Allele origin: unknown.

Quest Diagnostics Nichols Institute San Juan Capistrano
Classification: Uncertain significance. Last evaluated: 2019-05-24. Review status: criteria provided, single submitter. Criteria: Quest Diagnostics criteria. Collection method: clinical testing. Allele origin: germline.